The following is an entry in ClinVar:

ClinVar aggregate classification (germline): Pathogenic/Likely pathogenic. Review status: criteria provided, multiple submitters, no conflicts (2 of 4 stars). 4 submissions from 4 submitters: Pathogenic (2); Likely pathogenic (1). 1 of the submissions does not count toward it. Last evaluated 2023-11-21.

Conditions:
Cobalamin C disease. Also called: Methylmalonic aciduria and homocystinuria, Vitamin B12-responsive; Vitamin B12 metabolic defect with combined deficiency of methylmalonyl-CoA mutase and homocysteine:methyltetrahydrofolate methyltransferase; Cobalamin-C methylmalonic acidemia and homocystinuria; Methylmalonic acidemia and homocystinuria cblC type; methylmalonic aciduria and homocystinuria type cblC; Methylmalonic aciduria with homocystinuria cblC type. Identifiers: Orphanet 26, Orphanet 79282, MedGen C1848561, MONDO:0010184, OMIM 277400.

Submissions (4):

Baylor Genetics
Classification: Pathogenic for Cobalamin C disease. Last evaluated: 2023-11-21. Review status: criteria provided, single submitter. Criteria: ACMG Guidelines, 2015. Collection method: clinical testing. Allele origin: unknown.

Genome-Nilou Lab
Classification: Likely pathogenic for Cobalamin C disease. Last evaluated: 2023-04-11. Review status: criteria provided, single submitter. Criteria: ACMG Guidelines, 2015. Collection method: clinical testing. Allele origin: germline. Affected: no.

Labcorp Genetics (formerly Invitae), Labcorp
Classification: Pathogenic for Cobalamin C disease. Last evaluated: 2023-04-06. Review status: criteria provided, single submitter. Criteria: Invitae Variant Classification Sherloc (09022015). Collection method: clinical testing. Allele origin: germline.
Comment: This sequence change creates a premature translational stop signal (p.Val209Aspfs*35) in the MMACHC gene. While this is not anticipated to result in nonsense mediated decay, it is expected to disrupt the last 74 amino acid(s) of the MMACHC protein. This variant is not present in population databases (gnomAD no frequency). This premature translational stop signal has been observed in individual(s) with cobalamin C deficiency (PMID: 31279840). In at least one individual the data is consistent with being in trans (on the opposite chromosome) from a pathogenic variant. ClinVar contains an entry for this variant (Variation ID: 550046). This variant disrupts a region of the MMACHC protein in which other variant(s) (p.Tyr222*) have been determined to be pathogenic (PMID: 16311595, 19767224, 30157807). This suggests that this is a clinically significant region of the protein, and that variants that disrupt it are likely to be disease-causing. For these reasons, this variant has been classified as Pathogenic.

Counsyl
Classification: Likely pathogenic for Cobalamin C disease. Last evaluated: 2017-10-06. Review status: no assertion criteria provided. Collection method: clinical testing. Allele origin: unknown. Not counted in ClinVar's aggregate classification.

Literature cited by the submitters: PubMed 31279840 (cited by Labcorp Genetics (formerly Invitae), Labcorp); PubMed 16311595 (cited by Labcorp Genetics (formerly Invitae), Labcorp); PubMed 19767224 (cited by Labcorp Genetics (formerly Invitae), Labcorp); PubMed 30157807 (cited by Labcorp Genetics (formerly Invitae), Labcorp).

NM_015506.3(MMACHC):c.626_627del (p.Val209fs)

Genes: MMACHC (metabolism of cobalamin associated C; plus strand), LOC129930446 (ATAC-STARR-seq lymphoblastoid active region 972; plus strand). Cytogenetic location: 1p34.1.
Variant type: Microsatellite.
Coding change: c.626_627del on transcript NM_015506.3 (MANE Select); coding-DNA positions 626 to 627, 2 bases deleted (TG; older notation c.626_627delTG).
Protein change: p.Val209fs; shifts the reading frame from valine 209.
Molecular consequence: frameshift variant.
Genome position (GRCh38, 1-based): chr1:45,508,992-45,508,993, TG deleted; deleting any 2 consecutive bases within chr1:45,508,990-45,508,993 gives the same sequence; the c. name uses the placement nearest the transcript's 3' end. VCF-style (leftmost placement, unchanged base first): chr1-45508989-CTG-C. GRCh37 (hg19) VCF-style: chr1-45974661-CTG-C.
Other names: c.455_456del, p.Val152fs (NM_001330540.2); short protein forms V209fs, V152fs.
Identifiers: ClinVar variation 550046 (VCV000550046.12), dbSNP rs1356587420, ClinGen allele CA658821034.
Genomic context (GRCh38, chr1:45,508,989, plus strand): 5'-ACCGTATCGCCCTACTCGAAGGCTTCAATTTCCACTGGCGTGATTGGACTTACCGGGATG[CTG>C]TGACACCCCAGGAGCGCTACTCAGAAGAGCAGAAGGCCTACTTCTCCACTCCACCTGCCC-3'